The following is an entry in ClinVar:

NM_005560.6(LAMA5):c.7999C>T (p.Leu2667=)

Gene: LAMA5 (laminin subunit alpha 5; minus strand). Cytogenetic location: 20q13.33.
Variant type: single nucleotide variant.
Coding change: c.7999C>T on transcript NM_005560.6 (MANE Select); coding-DNA position 7999, C replaced by T.
Protein change: p.Leu2667=; no amino-acid change (leucine 2667 retained).
Molecular consequence: synonymous variant.
Genome position (GRCh38, 1-based): chr20:62,315,076, G>A on the plus strand (C>T on the coding strand, the complement: LAMA5 is on the minus strand). VCF-style: chr20-62315076-G-A. GRCh37 (hg19) VCF-style: chr20-60890132-G-A.
Identifiers: ClinVar variation 3034354 (VCV003034354.2), dbSNP rs372824109, ClinGen allele CA9940935.

ClinVar aggregate classification (germline): Likely benign (0 of 4 stars; one submission).

Conditions:
LAMA5-related disorder. Also called: LAMA5-Related Disorders; LAMA5-related condition.

Allele frequency attached by ClinVar (database versions not stated): ExAC 0.00002; gnomAD 0.00002; TOPMed 0.00004; ESP Exome Variant Server 0.00008; gnomAD exomes 0.00001.
gnomAD v4.1: 13 of 1,602,584 alleles (0.00081%); highest among the groups gnomAD compares: Middle Eastern, 0.082%; no homozygotes.

Submission:

PreventionGenetics, part of Exact Sciences
Classification: Likely benign for LAMA5-related condition. Last evaluated: 2019-06-12. Review status: no assertion criteria provided. Collection method: clinical testing. Allele origin: germline.
Comment: This variant is classified as likely benign based on ACMG/AMP sequence variant interpretation guidelines (Richards et al. 2015 PMID: 25741868, with internal and published modifications).